The following is an entry in ClinVar:

ClinVar aggregate classification (germline): Benign (1 of 4 stars; one submission).

Allele frequency attached by ClinVar (database versions not stated): gnomAD 0.12247 and 0.12489; TOPMed 0.12800; 1000 Genomes Project 0.14197; 1000 Genomes Project 30x 0.14428.
gnomAD v4.1: 18,519 of 152,194 alleles (12%); highest among the groups gnomAD compares: African/African-American, 27%; 1,772 homozygotes.

Submission:

GeneDx
Classification: Benign. Last evaluated: 2018-06-14. Review status: criteria provided, single submitter. Criteria: GeneDx Variant Classification (06012015). Collection method: clinical testing. Allele origin: germline. Affected: yes.
Comment: This variant is considered likely benign or benign based on one or more of the following criteria: it is a conservative change, it occurs at a poorly conserved position in the protein, it is predicted to be benign by multiple in silico algorithms, and/or has population frequency not consistent with disease.

NM_006420.3(ARFGEF2):c.1425+266G>C

Gene: ARFGEF2 (ARF guanine nucleotide exchange factor 2; plus strand). Cytogenetic location: 20q13.13.
Variant type: single nucleotide variant.
Coding change: c.1425+266G>C on transcript NM_006420.3 (MANE Select); 266 bases into the intron after coding-DNA position 1425, G replaced by C.
Molecular consequence: intron variant.
Genome position (GRCh38, 1-based): chr20:48,971,620, G>C. VCF-style: chr20-48971620-G-C. GRCh37 (hg19) VCF-style: chr20-47588157-G-C.
Identifiers: ClinVar variation 667989 (VCV000667989.1), dbSNP rs6512558, ClinGen allele CA14854063.